The following is an entry in ClinVar:

ClinVar aggregate classification (germline): Pathogenic. Review status: criteria provided, single submitter (1 of 4 stars). 2 submissions from 2 submitters: Pathogenic (1). 1 of the submissions does not count toward it. Last evaluated 2026-04-02.

Conditions:
Mowat-Wilson syndrome (MOWS). Also called: Classic Mowat-Wilson Syndrome. Identifiers: Orphanet 2152, MedGen C1856113, MONDO:0009341, OMIM 235730.

Submissions (2):

Women's Health and Genetics/Laboratory Corporation of America, LabCorp
Classification: Pathogenic for Mowat-Wilson syndrome. Last evaluated: 2026-04-02. Review status: criteria provided, single submitter. Criteria: LabCorp Variant Classification Summary - May 2015. Collection method: clinical testing. Allele origin: germline.
Comment: Variant summary: ZEB2 c.441C>G (p.Tyr147X) results in a premature termination codon, predicted to cause a truncation of the encoded protein or absence of the protein due to nonsense mediated decay, which are commonly known mechanisms for disease. The variant was absent in 251266 control chromosomes. To our knowledge, no occurrence of c.441C>G in individuals affected with ZEB2-related conditions and no experimental evidence demonstrating its impact on protein function have been reported. ClinVar contains an entry for this variant (Variation ID: 977911). Based on the evidence outlined above, the variant was classified as pathogenic.

Service de Génétique Moléculaire, Hôpital Robert Debré
Classification: Likely pathogenic for Mowat-Wilson syndrome. Review status: no assertion criteria provided. Collection method: clinical testing. Allele origin: unknown. Affected: yes. Not counted in ClinVar's aggregate classification.

NM_014795.4(ZEB2):c.441C>G (p.Tyr147Ter)

Gene: ZEB2 (zinc finger E-box binding homeobox 2; minus strand). Cytogenetic location: 2q22.3.
Variant type: single nucleotide variant.
Coding change: c.441C>G on transcript NM_014795.4 (MANE Select); coding-DNA position 441, C replaced by G.
Protein change: p.Tyr147Ter; replaces tyrosine 147 with a stop codon.
Molecular consequence: nonsense.
Genome position (GRCh38, 1-based): chr2:144,404,987, G>C on the plus strand (C>G on the coding strand, the complement: ZEB2 is on the minus strand). VCF-style: chr2-144404987-G-C. GRCh37 (hg19) VCF-style: chr2-145162554-G-C.
Other names: c.369C>G, p.Tyr123Ter (NM_001171653.2); short protein forms Y123*, Y147*.
Identifiers: ClinVar variation 977911 (VCV000977911.2), dbSNP rs766022812, ClinGen allele CA348715503.